The following is an entry in ClinVar:

NM_001127222.2(CACNA1A):c.3061G>A (p.Asp1021Asn)

Gene: CACNA1A (calcium voltage-gated channel subunit alpha1 A; minus strand). Cytogenetic location: 19p13.13.
Variant type: single nucleotide variant.
Coding change: c.3061G>A on transcript NM_001127222.2 (MANE Select); coding-DNA position 3061, G replaced by A.
Protein change: p.Asp1021Asn; replaces aspartic acid 1021 with asparagine.
Molecular consequence: missense variant.
Genome position (GRCh38, 1-based): chr19:13,298,572, C>T on the plus strand (G>A on the coding strand, the complement: CACNA1A is on the minus strand). VCF-style: chr19-13298572-C-T. GRCh37 (hg19) VCF-style: chr19-13409386-C-T.
Other names: c.3073G>A, p.Asp1025Asn (NM_000068.4, NM_023035.3); c.3064G>A, p.Asp1022Asn (NM_001127221.2, NM_001174080.2); short protein forms D1021N, D1022N, D1025N.
Identifiers: ClinVar variation 1304429 (VCV001304429.2), dbSNP rs2144951917, ClinGen allele CA404342157.

ClinVar aggregate classification (germline): Uncertain significance (1 of 4 stars; one submission).

Submission:

GeneDx
Classification: Uncertain significance. Last evaluated: 2019-01-02. Review status: criteria provided, single submitter. Criteria: GeneDx Variant Classification Process June 2021. Collection method: clinical testing. Allele origin: germline. Affected: yes.
Comment: Not observed in large population cohorts (Lek et al., 2016); In silico analysis, which includes protein predictors and evolutionary conservation, supports that this variant does not alter protein structure/function; Has not been previously published as pathogenic or benign to our knowledge